The following is an entry in ClinVar:

NM_002863.5(PYGL):c.2467C>T (p.Gln823Ter)

Gene: PYGL (glycogen phosphorylase L; minus strand). Cytogenetic location: 14q22.1.
Variant type: single nucleotide variant.
Coding change: c.2467C>T on transcript NM_002863.5 (MANE Select); coding-DNA position 2467, C replaced by T.
Protein change: p.Gln823Ter; replaces glutamine 823 with a stop codon.
Molecular consequence: nonsense.
Genome position (GRCh38, 1-based): chr14:50,905,469, G>A on the plus strand (C>T on the coding strand, the complement: PYGL is on the minus strand). VCF-style: chr14-50905469-G-A. GRCh37 (hg19) VCF-style: chr14-51372187-G-A.
Other names: c.2365C>T, p.Gln789Ter (NM_001163940.2); short protein forms Q823*, Q789*.
Identifiers: ClinVar variation 632215 (VCV000632215.20), dbSNP rs756205397, ClinGen allele CA7183094.

ClinVar aggregate classification (germline): Conflicting classifications of pathogenicity. Review status: criteria provided, conflicting classifications (1 of 4 stars). 6 submissions from 6 submitters: Pathogenic (3); Likely pathogenic (2); Uncertain significance (1). Last evaluated 2026-08-07.

Conditions:
Glycogen storage disease, type VI (GSD6). Also called: Glycogen storage disease type 6; Hepatic glycogen phosphorylase deficiency; Glycogen storage disease type 6, due to phosphorylation; GSD VI; HERS DISEASE; PHOSPHORYLASE DEFICIENCY GLYCOGEN-STORAGE DISEASE OF LIVER. Identifiers: Orphanet 369, MedGen C0017925, MONDO:0009294, OMIM 232700.
PYGL-related disorder. Also called: PYGL-related condition.

Allele frequency attached by ClinVar (database versions not stated): TOPMed 0.00001; ExAC 0.00006; gnomAD exomes 0.00006.
gnomAD v4.1: 21 of 1,613,718 alleles (0.0013%); highest among the groups gnomAD compares: East Asian, 0.042%; no homozygotes.

Submissions (6):

PreventionGenetics, part of Exact Sciences
Classification: Pathogenic for PYGL-related condition. Last evaluated: 2026-08-07. Review status: criteria provided, single submitter. Criteria: ACMG Guidelines, 2015. Collection method: clinical testing. Allele origin: germline.
Comment: The PYGL c.2467C>T variant is predicted to result in premature protein termination (p.Gln823*). This variant has been reported as causative in individuals with autosomal recessive glycogen storage disease type VI (GSD VI) (see, for example, Wang et al. 2013. PubMed ID: 22899091; Lu et al. 2020. PubMed ID: 32892177; Luo et al. 2022. PubMed ID: 35143115; Vanduangden et al. 2024. PubMed ID: 39654668). Moreover, this variant has been observed to segregate with disease in a family with GSD VI (Zhan et al. 2021. PubMed ID: 33879691). This variant is reported in 0.082% of alleles in individuals of East Asian descent in gnomAD; however, it has been described as being a founder variant in South China (Luo et al. 2022. PubMed ID: 35143115). Nonsense variants in PYGL are expected to be pathogenic. This variant is interpreted as pathogenic.

Genesolutions, Medical Genetics Institutes, Ho Chi Minh City, Vietnam
Classification: Likely pathogenic for Glycogen storage disease, type VI. Last evaluated: 2025-09-24. Review status: criteria provided, single submitter. Criteria: ACMG Guidelines, 2015. Collection method: clinical testing. Allele origin: germline. Affected: yes.

3billion
Classification: Uncertain significance for Glycogen storage disease, type VI. Last evaluated: 2025-03-28. Review status: criteria provided, single submitter. Criteria: ACMG Guidelines, 2015. Collection method: clinical testing. Allele origin: germline. Affected: yes.

Labcorp Genetics (formerly Invitae), Labcorp
Classification: Pathogenic for Glycogen storage disease, type VI. Last evaluated: 2023-03-23. Review status: criteria provided, single submitter. Criteria: Invitae Variant Classification Sherloc (09022015). Collection method: clinical testing. Allele origin: germline.
Comment: Experimental studies and prediction algorithms are not available or were not evaluated, and the functional significance of this variant is currently unknown. ClinVar contains an entry for this variant (Variation ID: 632215). This premature translational stop signal has been observed in individual(s) with glycogen storage disease (PMID: 22899091; Invitae). In at least one individual the data is consistent with being in trans (on the opposite chromosome) from a pathogenic variant. This variant is present in population databases (rs756205397, gnomAD 0.09%). This sequence change creates a premature translational stop signal (p.Gln823*) in the PYGL gene. While this is not anticipated to result in nonsense mediated decay, it is expected to disrupt the last 25 amino acid(s) of the PYGL protein. For these reasons, this variant has been classified as Pathogenic.

Blueprint Genetics
Classification: Pathogenic for PYGL-related disorders. Last evaluated: 2022-08-31. Review status: criteria provided, single submitter. Criteria: ACMG Guidelines, 2015. Collection method: clinical testing. Allele origin: germline. Affected: yes. Observed: 2 variant alleles.

Juno Genomics, Hangzhou Juno Genomics, Inc
Classification: Likely pathogenic for Glycogen storage disease, type VI. Review status: criteria provided, single submitter. Criteria: ACMG Guidelines, 2015. Collection method: clinical testing. Allele origin: germline. Affected: yes.
Comment: Absent from controls (or at extremely low frequency if recessive) in Genome Aggregation Database, Exome Sequencing Project, 1000 Genomes Project, or Exome Aggregation Consortium.;Null variant in a gene where loss of function (LOF) is a known mechanism of disease.;For recessive disorders, detected in trans with a pathogenic variant.;Co-segregation with disease in multiple affected family members in a gene definitively known to cause the disease.;Patient's phenotype or family history is highly specific for a disease with a single genetic etiology.

Literature cited by the submitters: PubMed 22899091 (cited by 3billion and Labcorp Genetics (formerly Invitae), Labcorp).